The following is an entry in ClinVar:

ClinVar aggregate classification (germline): Likely pathogenic (1 of 4 stars; one submission).

Conditions:
Usher syndrome type 2A. Also called: RETINAL DISEASE IN USHER SYNDROME TYPE IIA, MODIFIER OF; USHER SYNDROME, TYPE IIA. Identifiers: Orphanet 231178, Orphanet 886, MedGen C1848634, MONDO:0010169, OMIM 276901.

Submission:

Natera, Inc.
Classification: Likely pathogenic for Usher syndrome type 2A. Last evaluated: 2026-01-22. Review status: criteria provided, single submitter. Criteria: Natera Variant Classification Schema (03/2026). Collection method: clinical testing. Allele origin: germline.
Comment: The c.12752G>T variant in USH2A is a missense variant predicted to cause substitution of serine to isoleucine at amino acid 4251. This variant is rare in the general population with a frequency below the threshold expected for the associated phenotype(s). This variant has been observed in one or more individuals affected with the associated recessive disease, as either homozygous or compound heterozygous with a second variant (PMID: 32675063, 32188678). This variant has been identified in one or more affected individual with a phenotype highly consistent with the associated gene (PMID: 32675063). Computational prediction algorithms indicate this variant is likely to affect gene or protein function. Given the available evidence, this variant is classified as Likely Pathogenic.

Literature cited by the submitters: PubMed 32675063; PubMed 32188678.

NM_206933.4(USH2A):c.12752G>T (p.Ser4251Ile)

Gene: USH2A (usherin; minus strand). Cytogenetic location: 1q41.
Variant type: single nucleotide variant.
Coding change: c.12752G>T on transcript NM_206933.4 (MANE Select); coding-DNA position 12752, G replaced by T.
Protein change: p.Ser4251Ile; replaces serine 4251 with isoleucine.
Molecular consequence: missense variant.
Genome position (GRCh38, 1-based): chr1:215,675,159, C>A on the plus strand (G>T on the coding strand, the complement: USH2A is on the minus strand). VCF-style: chr1-215675159-C-A. GRCh37 (hg19) VCF-style: chr1-215848501-C-A.
Other names: short protein forms S4251I.
Identifiers: ClinVar variation 4817090 (VCV004817090.1).